The following is an entry in ClinVar:

ClinVar aggregate classification (germline): Pathogenic (1 of 4 stars; one submission).

Submission:

GeneDx
Classification: Pathogenic. Last evaluated: 2018-09-05. Review status: criteria provided, single submitter. Criteria: GeneDx Variant Classification (06012015). Collection method: clinical testing. Allele origin: germline. Affected: yes.
Comment: The c.1049delT variant has not been published as a pathogenic variant, nor has it been reported as a benign variant to our knowledge. The variant is not observed in large population cohorts (Lek et al., 2016). It causes a frameshift starting with codon Valine 350, changes this amino acid to an Alanine residue and creates a premature Stop codon at position 49 of the new reading frame, denoted p.Val350AlafsX49. This variant is predicted to cause loss of normal protein function either through protein truncation or nonsense-mediated mRNA decay. We consider this variant to be pathogenic.

NM_203475.3(PORCN):c.1049del (p.Val350fs)

Gene: PORCN (porcupine O-acyltransferase; plus strand). Cytogenetic location: Xp11.23.
Variant type: Deletion.
Coding change: c.1049del on transcript NM_203475.3 (MANE Select); coding-DNA position 1049, one base deleted (T; older notation c.1049delT).
Protein change: p.Val350fs; shifts the reading frame from valine 350.
Molecular consequence: frameshift variant.
Genome position (GRCh38, 1-based): chrX:48,515,915, T deleted. VCF-style (leftmost placement, unchanged base first): chrX-48515914-GT-G. GRCh37 (hg19) VCF-style: chrX-48374302-GT-G.
Other names: c.803del, p.Val268fs (NM_001282167.2); c.1016del, p.Val339fs (NM_022825.4); c.1034del, p.Val345fs (NM_203473.3); c.1031del, p.Val344fs (NM_203474.1); short protein forms V339fs, V344fs, V345fs, V268fs, V350fs.
Identifiers: ClinVar variation 817801 (VCV000817801.1), dbSNP rs1602078393, ClinGen allele CA915951040.
Genomic context (GRCh38, chrX:48,515,914, plus strand): 5'-TCCTCACTCATTTCATTGTCATCTGCATTCCCCCAGGGCTTCAGTTTCCACCTGGCTGCG[GT>G]CCTGCTGTCCCTGGCTTTTATCACTTACGTGGAGCATGGTGAGTGCAGGGCCCAGCCCAG-3'